The following is an entry in ClinVar:

NM_000038.6(APC):c.484C>A (p.Leu162Ile)

Gene: APC (APC regulator of Wnt signaling pathway; plus strand). Cytogenetic location: 5q22.2.
Variant type: single nucleotide variant.
Coding change: c.484C>A on transcript NM_000038.6 (MANE Select); coding-DNA position 484, C replaced by A.
Protein change: p.Leu162Ile; replaces leucine 162 with isoleucine.
Molecular consequence: missense variant. On other transcripts: 5 prime UTR variant (1).
Genome position (GRCh38, 1-based): chr5:112,775,690, C>A. VCF-style: chr5-112775690-C-A. GRCh37 (hg19) VCF-style: chr5-112111387-C-A.
Other names: c.484C>A, p.Leu162Ile (NM_001127510.3, NM_001354895.2, NM_001354896.2 and 2 more transcripts); c.514C>A, p.Leu172Ile (NM_001127511.3, NM_001354897.2, NM_001354902.2); c.409C>A, p.Leu137Ile (NM_001354898.2, NM_001354904.2); c.307C>A, p.Leu103Ile (NM_001354900.2, NM_001354901.2, NM_001354905.2); c.-552C>A (NM_001354906.2); short protein forms L162I, L103I, L137I, L172I.
Identifiers: ClinVar variation 1387514 (VCV001387514.6), dbSNP rs2149615464, ClinGen allele CA16022381.

ClinVar aggregate classification (germline): Uncertain significance (1 of 4 stars; one submission).

Conditions:
Familial adenomatous polyposis 1 (FAP1). Also called: FAMILIAL ADENOMATOUS POLYPOSIS 1, ATTENUATED; POLYPOSIS, ADENOMATOUS INTESTINAL. Identifiers: MedGen C2713442, MONDO:0021056, OMIM 175100. Disease mechanism: loss of function.

Submission:

Labcorp Genetics (formerly Invitae), Labcorp
Classification: Uncertain significance for Familial adenomatous polyposis 1. Last evaluated: 2021-10-02. Review status: criteria provided, single submitter. Criteria: Invitae Variant Classification Sherloc (09022015). Collection method: clinical testing. Allele origin: germline.
Comment: In summary, the available evidence is currently insufficient to determine the role of this variant in disease. Therefore, it has been classified as a Variant of Uncertain Significance. Algorithms developed to predict the effect of missense changes on protein structure and function are either unavailable or do not agree on the potential impact of this missense change (SIFT: "Deleterious"; PolyPhen-2: "Possibly Damaging"; Align-GVGD: "Class C0"). This variant has not been reported in the literature in individuals affected with APC-related conditions. This variant is not present in population databases (ExAC no frequency). This sequence change replaces leucine with isoleucine at codon 162 of the APC protein (p.Leu162Ile). The leucine residue is highly conserved and there is a small physicochemical difference between leucine and isoleucine.